The following is an entry in ClinVar:

NM_016356.5(DCDC2):c.785C>T (p.Thr262Ile)

Gene: DCDC2 (doublecortin domain containing 2; minus strand). Cytogenetic location: 6p22.3.
Variant type: single nucleotide variant.
Coding change: c.785C>T on transcript NM_016356.5 (MANE Select); coding-DNA position 785, C replaced by T.
Protein change: p.Thr262Ile; replaces threonine 262 with isoleucine.
Molecular consequence: missense variant.
Genome position (GRCh38, 1-based): chr6:24,278,186, G>A on the plus strand (C>T on the coding strand, the complement: DCDC2 is on the minus strand). VCF-style: chr6-24278186-G-A. GRCh37 (hg19) VCF-style: chr6-24278414-G-A.
Other names: c.785C>T, p.Thr262Ile (NM_001195610.2); short protein forms T262I.
Identifiers: ClinVar variation 654576 (VCV000654576.9), dbSNP rs200534758, ClinGen allele CA3654640.

ClinVar aggregate classification (germline): Uncertain significance. Review status: criteria provided, multiple submitters, no conflicts (2 of 4 stars). 3 submissions from 3 submitters: Uncertain significance (3). Last evaluated 2026-06-07.

Conditions:
Isolated neonatal sclerosing cholangitis (NSC). Also called: Sclerosing cholangitis, neonatal. Identifiers: Orphanet 480556, MedGen C4479344, MONDO:0018816, OMIM 617394.
Autosomal recessive nonsyndromic hearing loss 66 (DFNB66). Also called: Deafness, autosomal recessive 66. Identifiers: Orphanet 90636, MedGen C1857750, MONDO:0012442, OMIM 610212.
DCDC2-related disorder. Also called: DCDC2-related condition.
Nephronophthisis 19 (NPHP19). Identifiers: Orphanet 84081, MedGen C4015542, MONDO:0014537, OMIM 616217.

Allele frequency attached by ClinVar (database versions not stated): TOPMed 0.00005; ExAC 0.00007; gnomAD exomes 0.00008 and 0.00010; gnomAD 0.00011.
gnomAD v4.1: 138 of 1,611,668 alleles (0.0086%); highest among the groups gnomAD compares: Non-Finnish European, 0.0048%; no homozygotes.

Submissions (3):

PreventionGenetics, part of Exact Sciences
Classification: Uncertain significance for DCDC2-related condition. Last evaluated: 2026-06-07. Review status: criteria provided, single submitter. Criteria: ACMG Guidelines, 2015. Collection method: clinical testing. Allele origin: germline.
Comment: The DCDC2 c.785C>T variant is predicted to result in the amino acid substitution p.Thr262Ile. To our knowledge, this variant has not been reported in the literature. This variant is reported in 0.19% of alleles in individuals of Ashkenazi Jewish descent in gnomAD. At this time, the clinical significance of this variant is uncertain due to the absence of conclusive functional and genetic evidence.

Fulgent Genetics
Classification: Uncertain significance for Autosomal recessive nonsyndromic hearing loss 66; Nephronophthisis 19; Isolated neonatal sclerosing cholangitis. Last evaluated: 2024-04-20. Review status: criteria provided, single submitter. Criteria: ACMG Guidelines, 2015. Collection method: clinical testing. Allele origin: germline.

Labcorp Genetics (formerly Invitae), Labcorp
Classification: Uncertain significance for Autosomal recessive nonsyndromic hearing loss 66; Isolated neonatal sclerosing cholangitis. Last evaluated: 2022-09-13. Review status: criteria provided, single submitter. Criteria: Invitae Variant Classification Sherloc (09022015). Collection method: clinical testing. Allele origin: germline.
Comment: This sequence change replaces threonine, which is neutral and polar, with isoleucine, which is neutral and non-polar, at codon 262 of the DCDC2 protein (p.Thr262Ile). The frequency data for this variant in the population databases is considered unreliable, as metrics indicate poor data quality at this position in the gnomAD database. This variant has not been reported in the literature in individuals affected with DCDC2-related conditions. ClinVar contains an entry for this variant (Variation ID: 654576). Advanced modeling of protein sequence and biophysical properties (such as structural, functional, and spatial information, amino acid conservation, physicochemical variation, residue mobility, and thermodynamic stability) performed at Invitae indicates that this missense variant is not expected to disrupt DCDC2 protein function. In summary, the available evidence is currently insufficient to determine the role of this variant in disease. Therefore, it has been classified as a Variant of Uncertain Significance.